The following is an entry in ClinVar:

ClinVar aggregate classification (germline): Uncertain significance (1 of 4 stars; one submission).

Conditions:
PLXNA1-related disorder. Also called: PLXNA1-related condition.

gnomAD v4.1: 26 of 1,613,106 alleles (0.0016%); highest among the groups gnomAD compares: Admixed American, 0.0067%; 1 homozygote.

Submission:

PreventionGenetics, part of Exact Sciences
Classification: Uncertain significance for PLXNA1-related condition. Last evaluated: 2026-03-02. Review status: criteria provided, single submitter. Criteria: ACMG Guidelines, 2015. Collection method: clinical testing. Allele origin: germline.
Comment: The PLXNA1 c.955C>T variant is predicted to result in the amino acid substitution p.Arg319Trp. This variant was reported in an individual with hypogonadotropic hypogonadism (Kotan et al. 2019. PubMed ID: 30467832). This variant is reported in 0.0033% of alleles in individuals of South Asian descent in gnomAD. At this time, the clinical significance of this variant is uncertain due to the absence of conclusive functional and genetic evidence.

NM_032242.4(PLXNA1):c.955C>T (p.Arg319Trp)

Gene: PLXNA1 (plexin A1; plus strand). Cytogenetic location: 3q21.3.
Variant type: single nucleotide variant.
Coding change: c.955C>T on transcript NM_032242.4 (MANE Select); coding-DNA position 955, C replaced by T.
Protein change: p.Arg319Trp; replaces arginine 319 with tryptophan.
Molecular consequence: missense variant.
Genome position (GRCh38, 1-based): chr3:126,989,548, C>T. VCF-style: chr3-126989548-C-T. GRCh37 (hg19) VCF-style: chr3-126708391-C-T.
Other names: short protein forms R319W.
Identifiers: ClinVar variation 4987835 (VCV004987835.1).